The following is an entry in ClinVar:

ClinVar aggregate classification (germline): Uncertain significance (1 of 4 stars; one submission).

Conditions:
Norman-Roberts syndrome (LIS2). Also called: Lissencephaly 2 (Norman-Roberts type). Identifiers: Orphanet 89844, MedGen C0796089, MONDO:0009760, OMIM 257320.
Familial temporal lobe epilepsy 7. Identifiers: Orphanet 101046, MedGen C4225327, MONDO:0014639, OMIM 616436.

Submission:

Labcorp Genetics (formerly Invitae), Labcorp
Classification: Uncertain significance for Familial temporal lobe epilepsy 7; Norman-Roberts syndrome. Last evaluated: 2024-04-22. Review status: criteria provided, single submitter. Criteria: Invitae Variant Classification Sherloc (09022015). Collection method: clinical testing. Allele origin: germline.
Comment: This sequence change falls in intron 23 of the RELN gene. It does not directly change the encoded amino acid sequence of the RELN protein. It affects a nucleotide within the consensus splice site. This variant is not present in population databases (gnomAD no frequency). This variant has not been reported in the literature in individuals affected with RELN-related conditions. Variants that disrupt the consensus splice site are a relatively common cause of aberrant splicing (PMID: 17576681, 9536098). Algorithms developed to predict the effect of sequence changes on RNA splicing suggest that this variant is not likely to affect RNA splicing. In summary, the available evidence is currently insufficient to determine the role of this variant in disease. Therefore, it has been classified as a Variant of Uncertain Significance.

Literature cited by the submitters: PubMed 17576681; PubMed 9536098.

NM_005045.4(RELN):c.3146+4T>C

Gene: RELN (reelin; minus strand). Cytogenetic location: 7q22.1.
Variant type: single nucleotide variant.
Coding change: c.3146+4T>C on transcript NM_005045.4 (MANE Select); 4 bases into the intron after coding-DNA position 3146, T replaced by C.
Molecular consequence: intron variant.
Genome position (GRCh38, 1-based): chr7:103,604,342, A>G on the plus strand (T>C on the coding strand, the complement: RELN is on the minus strand). VCF-style: chr7-103604342-A-G. GRCh37 (hg19) VCF-style: chr7-103244789-A-G.
Other names: c.3146+4T>C (NM_173054.3).
Identifiers: ClinVar variation 3752522 (VCV003752522.2).